The following is an entry in ClinVar:

ClinVar aggregate classification (germline): Likely benign (1 of 4 stars; one submission).

Allele frequency attached by ClinVar (database versions not stated): gnomAD 0.00001; gnomAD exomes 0.00001; TOPMed 0.00002.
gnomAD v4.1: 15 of 1,611,502 alleles (0.00093%); highest among the groups gnomAD compares: South Asian, 0.0022%; no homozygotes.

Submission:

CeGaT Center for Human Genetics Tuebingen
Classification: Likely benign. Last evaluated: 2022-11-01. Review status: criteria provided, single submitter. Criteria: CeGaT Center For Human Genetics Tuebingen Variant Classification Criteria Version 2. Collection method: clinical testing. Allele origin: germline. Affected: yes. Observed: 1 variant allele.
Comment: ANK2: BP4, BP7

NM_001148.6(ANK2):c.2900+5142C>T

Gene: ANK2 (ankyrin 2; plus strand). Cytogenetic location: 4q26.
Variant type: single nucleotide variant.
Coding change: c.2900+5142C>T on transcript NM_001148.6 (MANE Select); 5142 bases into the intron after coding-DNA position 2900, C replaced by T.
Molecular consequence: intron variant. On other transcripts: synonymous variant (14).
Genome position (GRCh38, 1-based): chr4:113,323,762, C>T. VCF-style: chr4-113323762-C-T. GRCh37 (hg19) VCF-style: chr4-114244918-C-T.
Other names: c.2714+5142C>T (NM_001386151.1, NM_001354260.2, NM_001354271.2); c.2615+5142C>T (NM_001386157.1, NM_001354277.2); c.2834+5142C>T (NM_001386161.1, NM_001354244.2, NM_001354256.2); c.2858+5142C>T (NM_001354261.2, NM_001386147.1); c.2738+5142C>T (NM_001386156.1, NM_001354257.2); c.2813+5142C>T (NM_001354264.2, NM_001354267.2, NM_001386162.1 and 7 more transcripts); c.2516+5142C>T (NM_001386158.1); c.2945+5142C>T (NM_001354241.2, NM_001386144.1, NM_001354240.2); and 24 more.
Identifiers: ClinVar variation 2655036 (VCV002655036.24), dbSNP rs1260904408, ClinGen allele CA554067497.